The following is an entry in ClinVar:

ClinVar aggregate classification (germline): Likely benign (1 of 4 stars; one submission).

Allele frequency attached by ClinVar (database versions not stated): gnomAD exomes below 0.00001; gnomAD 0.00007; TOPMed 0.00007.
gnomAD v4.1: 12 of 1,047,229 alleles (0.0011%); highest among the groups gnomAD compares: Admixed American, 0.016%; no homozygotes.

Submission:

CeGaT Center for Human Genetics Tuebingen
Classification: Likely benign. Last evaluated: 2024-02-01. Review status: criteria provided, single submitter. Criteria: CeGaT Center For Human Genetics Tuebingen Variant Classification Criteria Version 2. Collection method: clinical testing. Allele origin: germline. Affected: yes. Observed: 1 variant allele.
Comment: CFAP47: BP4, BP7, BS2

NM_001304548.2(CFAP47):c.7848C>G (p.Gly2616=)

Gene: CFAP47 (cilia and flagella associated protein 47; plus strand). Cytogenetic location: Xp21.1.
Variant type: single nucleotide variant.
Coding change: c.7848C>G on transcript NM_001304548.2 (MANE Select); coding-DNA position 7848, C replaced by G.
Protein change: p.Gly2616=; no amino-acid change (glycine 2616 retained).
Molecular consequence: synonymous variant.
Genome position (GRCh38, 1-based): chrX:36,299,138, C>G. VCF-style: chrX-36299138-C-G. GRCh37 (hg19) VCF-style: chrX-36317253-C-G.
Identifiers: ClinVar variation 3025917 (VCV003025917.22), dbSNP rs981370706, ClinGen allele CA328889620.